The following is an entry in ClinVar:

NM_001025616.3(ARHGAP24):c.1439G>T (p.Gly480Val)

Gene: ARHGAP24 (Rho GTPase activating protein 24; plus strand). Cytogenetic location: 4q21.23.
Variant type: single nucleotide variant.
Coding change: c.1439G>T on transcript NM_001025616.3 (MANE Select); coding-DNA position 1439, G replaced by T.
Protein change: p.Gly480Val; replaces glycine 480 with valine.
Molecular consequence: missense variant.
Genome position (GRCh38, 1-based): chr4:85,995,093, G>T. VCF-style: chr4-85995093-G-T. GRCh37 (hg19) VCF-style: chr4-86916246-G-T.
Other names: c.1154G>T, p.Gly385Val (NM_001042669.2); c.1184G>T, p.Gly395Val (NM_001287805.2); c.860G>T, p.Gly287Val (NM_001346093.2); c.1160G>T, p.Gly387Val (NM_031305.3); short protein forms G385V, G387V, G480V, G287V, G395V.
Identifiers: ClinVar variation 4989168 (VCV004989168.1).

ClinVar aggregate classification (germline): Uncertain significance (1 of 4 stars; one submission).

Conditions:
ARHGAP24-related disorder. Also called: ARHGAP24-related condition.

gnomAD v4.1: 29 of 1,613,910 alleles (0.0018%); highest among the groups gnomAD compares: Non-Finnish European, 0.0022%; no homozygotes.

Submission:

PreventionGenetics, part of Exact Sciences
Classification: Uncertain significance for ARHGAP24-related condition. Last evaluated: 2025-01-29. Review status: criteria provided, single submitter. Criteria: ACMG Guidelines, 2015. Collection method: clinical testing. Allele origin: germline.
Comment: The ARHGAP24 c.1439G>T variant is predicted to result in the amino acid substitution p.Gly480Val. To our knowledge, this variant has not been reported in the literature. This variant is reported in 0.0062% of alleles in individuals of African descent in gnomAD. At this time, the clinical significance of this variant is uncertain due to the absence of conclusive functional and genetic evidence.